The following is an entry in ClinVar:

ClinVar aggregate classification (germline): Pathogenic (1 of 4 stars; one submission).

Conditions:
Fanconi anemia (FA). Also called: Fanconi's anemia. Identifiers: Orphanet 84, MedGen C0015625, MeSH D005199, MONDO:0019391.

Submission:

Labcorp Genetics (formerly Invitae), Labcorp
Classification: Pathogenic for Fanconi anemia. Last evaluated: 2022-07-19. Review status: criteria provided, single submitter. Criteria: Invitae Variant Classification Sherloc (09022015). Collection method: clinical testing. Allele origin: germline.
Comment: This variant has not been reported in the literature in individuals affected with FANCC-related conditions. For these reasons, this variant has been classified as Pathogenic. This variant is a gross deletion of the genomic region encompassing exon(s) 2-4 of the FANCC gene, which includes the initiator codon. This deletion extends beyond the assayed region for this gene and therefore may encompass additional genes. It is expected to result in an absent or disrupted protein product. Loss-of-function variants in FANCC are known to be pathogenic (PMID: 17924555).

Literature cited by the submitters: PubMed 17924555.

NC_000009.11:g.(?_98002921)_(98011661_?)del

Gene: FANCC (FA complementation group C; minus strand). Cytogenetic location: 9q22.32.
Variant type: Deletion.
Identifiers: ClinVar variation 1458684 (VCV001458684.5).